The following is an entry in ClinVar:

ClinVar aggregate classification (germline): Likely benign (1 of 4 stars; one submission).

gnomAD v4.1: 32 of 1,607,442 alleles (0.002%); highest among the groups gnomAD compares: East Asian, 0.02%; no homozygotes.

Submission:

CeGaT Center for Human Genetics Tuebingen
Classification: Likely benign. Last evaluated: 2022-07-01. Review status: criteria provided, single submitter. Criteria: CeGaT Center For Human Genetics Tuebingen Variant Classification Criteria Version 2. Collection method: clinical testing. Allele origin: germline. Affected: yes. Observed: 1 variant allele.
Comment: MAD1L1: BP4

NM_001013836.2(MAD1L1):c.323C>T (p.Thr108Met)

Gene: MAD1L1 (mitotic arrest deficient 1 like 1; minus strand). Cytogenetic location: 7p22.3.
Variant type: single nucleotide variant.
Coding change: c.323C>T on transcript NM_001013836.2 (MANE Select); coding-DNA position 323, C replaced by T.
Protein change: p.Thr108Met; replaces threonine 108 with methionine.
Molecular consequence: missense variant. On other transcripts: 5 prime UTR variant (1).
Genome position (GRCh38, 1-based): chr7:2,222,723, G>A on the plus strand (C>T on the coding strand, the complement: MAD1L1 is on the minus strand). VCF-style: chr7-2222723-G-A. GRCh37 (hg19) VCF-style: chr7-2262358-G-A.
Other names: c.323C>T, p.Thr108Met (NM_001013837.2, NM_001304523.2, NM_003550.3); c.-93C>T (NM_001304524.2); short protein forms T108M.
Identifiers: ClinVar variation 2657223 (VCV002657223.24), dbSNP rs200930173, ClinGen allele CA4123767.
Genomic context (GRCh38, chr7:2,222,723, plus strand): 5'-AGCTGCTCCTGCATCTTCTCCTCCGCCCCGGCCTCCCGCTCCTGAAGCTGCCGGATGCGC[G>A]TCAGGAGCTCCTGGTTGCGGTCGACCTCACGCTGTTAAGAGAGCAAGAGTCAGATGCCAC-3'
Protein context (NP_001013858.1, residues 98-118): REVDRNQELL[Thr108Met]RIRQLQEREA